The following is an entry in ClinVar:

NM_203447.4(DOCK8):c.658G>A (p.Glu220Lys)

Gene: DOCK8 (dedicator of cytokinesis 8; plus strand). Cytogenetic location: 9p24.3.
Variant type: single nucleotide variant.
Coding change: c.658G>A on transcript NM_203447.4 (MANE Select); coding-DNA position 658, G replaced by A.
Protein change: p.Glu220Lys; replaces glutamic acid 220 with lysine.
Molecular consequence: missense variant.
Genome position (GRCh38, 1-based): chr9:312,083, G>A. VCF-style: chr9-312083-G-A. GRCh37 (hg19) VCF-style: chr9-312083-G-A.
Other names: c.454G>A, p.Glu152Lys (NM_001190458.2, NM_001193536.2); short protein forms E152K, E220K.
Identifiers: ClinVar variation 1402768 (VCV001402768.7), dbSNP rs373168547, ClinGen allele CA4957355.

ClinVar aggregate classification (germline): Uncertain significance (1 of 4 stars; one submission).

Conditions:
Combined immunodeficiency due to DOCK8 deficiency (HIES2). Also called: HYPER-IgE SYNDROME 2, AUTOSOMAL RECESSIVE, WITH RECURRENT INFECTIONS; HIES autosomal recessive; DOCK8 Deficiency; Hyper-IgE recurrent infection syndrome, autosomal recessive; HYPER-IgE RECURRENT INFECTION SYNDROME 2, AUTOSOMAL RECESSIVE. Identifiers: Orphanet 217390, MedGen C4722305, MONDO:0009478, OMIM 243700.

Allele frequency attached by ClinVar (database versions not stated): gnomAD exomes 0.00001 and 0.00002; ExAC 0.00002; gnomAD 0.00003 and 0.00004; TOPMed 0.00004; ESP Exome Variant Server 0.00008.
gnomAD v4.1: 32 of 1,614,086 alleles (0.002%); highest among the groups gnomAD compares: East Asian, 0.0045%; no homozygotes.

Submission:

Labcorp Genetics (formerly Invitae), Labcorp
Classification: Uncertain significance for Combined immunodeficiency due to DOCK8 deficiency. Last evaluated: 2025-08-25. Review status: criteria provided, single submitter. Criteria: Invitae Variant Classification Sherloc (09022015). Collection method: clinical testing. Allele origin: germline.
Comment: This sequence change replaces glutamic acid, which is acidic and polar, with lysine, which is basic and polar, at codon 220 of the DOCK8 protein (p.Glu220Lys). This variant is present in population databases (rs373168547, gnomAD 0.008%). This variant has not been reported in the literature in individuals affected with DOCK8-related conditions. ClinVar contains an entry for this variant (Variation ID: 1402768). Invitae Evidence Modeling of protein sequence and biophysical properties (such as structural, functional, and spatial information, amino acid conservation, physicochemical variation, residue mobility, and thermodynamic stability) indicates that this missense variant is expected to disrupt DOCK8 protein function with a positive predictive value of 80%. In summary, the available evidence is currently insufficient to determine the role of this variant in disease. Therefore, it has been classified as a Variant of Uncertain Significance.